The following is an entry in ClinVar:

ClinVar aggregate classification (germline): Likely benign. Review status: criteria provided, multiple submitters, no conflicts (2 of 4 stars). 2 submissions from 2 submitters: Likely benign (2). Last evaluated 2025-08-25.

Conditions:
ZNF462-related disorder. Also called: ZNF462-related condition; ZNF462 related disease.
Inborn genetic diseases. Identifiers: MedGen C0950123, MeSH D030342.

gnomAD v4.1: 148 of 1,614,150 alleles (0.0092%); highest among the groups gnomAD compares: African/African-American, 0.15%; no homozygotes.

Submissions (2):

Ambry Genetics
Classification: Likely benign for Inborn genetic diseases. Last evaluated: 2025-08-25. Review status: criteria provided, single submitter. Criteria: Ambry Variant Classification Scheme 2023. Collection method: clinical testing. Allele origin: germline.

PreventionGenetics, part of Exact Sciences
Classification: Likely benign for ZNF462-related condition. Last evaluated: 2024-10-28. Review status: criteria provided, single submitter. Criteria: ACMG Guidelines, 2015. Collection method: clinical testing. Allele origin: germline.
Comment: This variant is classified as likely benign based on ACMG/AMP sequence variant interpretation guidelines (Richards et al. 2015 PMID: 25741868, with internal and published modifications).

NM_021224.6(ZNF462):c.949G>A (p.Val317Ile)

Gene: ZNF462 (zinc finger protein 462; plus strand). Cytogenetic location: 9q31.2.
Variant type: single nucleotide variant.
Coding change: c.949G>A on transcript NM_021224.6 (MANE Select); coding-DNA position 949, G replaced by A.
Protein change: p.Val317Ile; replaces valine 317 with isoleucine.
Molecular consequence: missense variant.
Genome position (GRCh38, 1-based): chr9:106,924,861, G>A. VCF-style: chr9-106924861-G-A. GRCh37 (hg19) VCF-style: chr9-109687142-G-A.
Other names: c.949G>A (NM_021224.5); c.949G>A, p.Val317Ile (NM_001347997.2); short protein forms V317I.
Identifiers: ClinVar variation 4209030 (VCV004209030.2).